The following is an entry in ClinVar:

NM_000283.4(PDE6B):c.2514A>C (p.Glu838Asp)

Gene: PDE6B (phosphodiesterase 6B; plus strand). Cytogenetic location: 4p16.3.
Variant type: single nucleotide variant.
Coding change: c.2514A>C on transcript NM_000283.4 (MANE Select); coding-DNA position 2514, A replaced by C.
Protein change: p.Glu838Asp; replaces glutamic acid 838 with aspartic acid.
Molecular consequence: missense variant.
Genome position (GRCh38, 1-based): chr4:670,056, A>C. VCF-style: chr4-670056-A-C. GRCh37 (hg19) VCF-style: chr4-663845-A-C.
Other names: c.2511A>C, p.Glu837Asp (NM_001145291.2); c.1677A>C, p.Glu559Asp (NM_001145292.2, NM_001379246.1, NM_001379247.1); c.1612A>C, p.Asn538His (NM_001350154.3); c.1294A>C, p.Asn432His (NM_001350155.3); short protein forms N432H, N538H, E559D, E837D, E838D.
Identifiers: ClinVar variation 1481813 (VCV001481813.6), dbSNP rs2109297210, ClinGen allele CA355920742.

ClinVar aggregate classification (germline): Uncertain significance (1 of 4 stars; one submission).

Submission:

Labcorp Genetics (formerly Invitae), Labcorp
Classification: Uncertain significance. Last evaluated: 2021-08-09. Review status: criteria provided, single submitter. Criteria: Invitae Variant Classification Sherloc (09022015). Collection method: clinical testing. Allele origin: germline.
Comment: This sequence change replaces glutamic acid with aspartic acid at codon 838 of the PDE6B protein (p.Glu838Asp). The glutamic acid residue is moderately conserved and there is a small physicochemical difference between glutamic acid and aspartic acid. This variant is not present in population databases (ExAC no frequency). This variant has not been reported in the literature in individuals affected with PDE6B-related conditions. Algorithms developed to predict the effect of missense changes on protein structure and function (SIFT, PolyPhen-2, Align-GVGD) all suggest that this variant is likely to be tolerated. In summary, the available evidence is currently insufficient to determine the role of this variant in disease. Therefore, it has been classified as a Variant of Uncertain Significance.